The following is an entry in ClinVar:

ClinVar aggregate classification (germline): Uncertain significance (1 of 4 stars; one submission).

Conditions:
Hereditary cancer-predisposing syndrome. Also called: Hereditary Cancer Syndrome; Neoplastic Syndromes, Hereditary; Tumor predisposition; Hereditary neoplastic syndrome. Identifiers: Orphanet 140162, MedGen C0027672, MeSH D009386, MONDO:0015356.

gnomAD v4.1: 1 of 1,614,050 alleles (0.000062%); highest among the groups gnomAD compares: Admixed American, 0.0017%; no homozygotes.

Submission:

Ambry Genetics
Classification: Uncertain significance for Hereditary cancer-predisposing syndrome. Last evaluated: 2026-07-07. Review status: criteria provided, single submitter. Criteria: Ambry Variant Classification Scheme 2023. Collection method: clinical testing. Allele origin: germline.
Comment: The p.W683C variant (also known as c.2049G>C), located in coding exon 16 of the EGFR gene, results from a G to C substitution at nucleotide position 2049. The tryptophan at codon 683 is replaced by cysteine, an amino acid with highly dissimilar properties. This amino acid position is conserved. In addition, this alteration is predicted to be tolerated by in silico analysis. Based on the available evidence, the clinical significance of this variant remains unclear.

NM_005228.5(EGFR):c.1881-700G>C

Gene: EGFR (epidermal growth factor receptor; plus strand). Cytogenetic location: 7p11.2.
Variant type: single nucleotide variant.
Coding change: c.1881-700G>C on transcript NM_005228.5 (MANE Select); 700 bases into the intron before coding-DNA position 1881, G replaced by C.
Molecular consequence: intron variant. On other transcripts: missense variant (1).
Genome position (GRCh38, 1-based): chr7:55,170,475, G>C. VCF-style: chr7-55170475-G-C. GRCh37 (hg19) VCF-style: chr7-55238168-G-C.
Other names: c.2049G>C, p.Trp683Cys (NM_201284.2); c.1746-700G>C (NM_001346899.2, NM_001346897.2); c.1080-700G>C (NM_001346941.2); c.1881-700G>C (NM_001346898.2); c.1722-700G>C (NM_001346900.2); short protein forms W683C.
Identifiers: ClinVar variation 5035760 (VCV005035760.1).